The following is an entry in ClinVar:

ClinVar aggregate classification (germline): Likely benign. Review status: criteria provided, multiple submitters, no conflicts (2 of 4 stars). 6 submissions from 6 submitters: Likely benign (6). Last evaluated 2026-03-27.

Conditions:
Aortic aneurysm, familial thoracic 4 (AAT4). Also called: AORTIC ANEURYSM/AORTIC DISSECTION AND PATENT DUCTUS ARTERIOSUS. Identifiers: MedGen C1851504, MONDO:0007568, OMIM 132900.
Familial thoracic aortic aneurysm and aortic dissection (TAAD). Also called: Thoracic aortic aneurysms and dissections. Identifiers: Orphanet 91387, MedGen C4707243, MONDO:0019625.

Allele frequency attached by ClinVar (database versions not stated): gnomAD 0.00001 and 0.00002; gnomAD exomes 0.00003 and 0.00005; TOPMed 0.00003; ExAC 0.00005; ESP Exome Variant Server 0.00008.
gnomAD v4.1: 44 of 1,613,644 alleles (0.0027%); highest among the groups gnomAD compares: South Asian, 0.0055%; 1 homozygote.

Submissions (6):

Molecular Diagnostic Laboratory for Inherited Cardiovascular Disease, Montreal Heart Institute
Classification: Likely benign. Last evaluated: 2026-03-27. Review status: criteria provided, single submitter. Criteria: ACMG Guidelines, 2015. Collection method: clinical testing. Allele origin: germline. Affected: no.
Comment: BS1;BP7

CeGaT Center for Human Genetics Tuebingen
Classification: Likely benign. Last evaluated: 2026-02-01. Review status: criteria provided, single submitter. Criteria: CeGaT Center For Human Genetics Tuebingen Variant Classification Criteria Version 2. Collection method: clinical testing. Allele origin: germline. Affected: yes. Observed: 1 variant allele.
Comment: MYH11: BP4, BP7

Labcorp Genetics (formerly Invitae), Labcorp
Classification: Likely benign for Aortic aneurysm, familial thoracic 4. Last evaluated: 2024-11-26. Review status: criteria provided, single submitter. Criteria: Invitae Variant Classification Sherloc (09022015). Collection method: clinical testing. Allele origin: germline.

Ambry Genetics
Classification: Likely benign for Familial thoracic aortic aneurysm and aortic dissection. Last evaluated: 2024-10-29. Review status: criteria provided, single submitter. Criteria: Ambry Variant Classification Scheme 2023. Collection method: clinical testing. Allele origin: germline.

All of Us Research Program, National Institutes of Health
Classification: Likely benign for Familial thoracic aortic aneurysm and aortic dissection. Last evaluated: 2024-02-05. Review status: criteria provided, single submitter. Criteria: ACMG Guidelines, 2015. Collection method: clinical testing. Allele origin: germline. Inheritance: Autosomal dominant inheritance. Observed: 7 variant alleles, 7 heterozygotes.
Comment: This study involves interpretation of variants in research participants for the purpose of population health screening. Participant phenotype was not available at the time of variant classification. Additional details can be found in publication PMID: 35346344, PMCID: PMC8962531

Color Diagnostics, LLC DBA Color Health
Classification: Likely benign for Familial thoracic aortic aneurysm and aortic dissection. Last evaluated: 2018-11-08. Review status: criteria provided, single submitter. Criteria: ACMG Guidelines, 2015. Collection method: clinical testing. Allele origin: germline.

NM_002474.3(MYH11):c.4761T>C (p.Asn1587=)

Genes: MYH11 (myosin heavy chain 11; minus strand), NDE1 (nudE neurodevelopment protein 1; plus strand). Cytogenetic location: 16p13.11.
Variant type: single nucleotide variant.
Coding change: c.4761T>C on transcript NM_002474.3 (MANE Select); coding-DNA position 4761, T replaced by C.
Protein change: p.Asn1587=; no amino-acid change (asparagine 1587 retained).
Molecular consequence: synonymous variant. On other transcripts: intron variant (2).
Genome position (GRCh38, 1-based): chr16:15,720,869, A>G on the plus strand (T>C on the coding strand, the complement: MYH11 is on the minus strand). VCF-style: chr16-15720869-A-G. GRCh37 (hg19) VCF-style: chr16-15814726-A-G.
Other names: c.4782T>C, p.Asn1594= (NM_001040113.2, NM_001040114.2); c.4761T>C, p.Asn1587= (NM_022844.3); c.948-3322A>G (NM_001143979.2, NM_017668.3); c.4761T>C (NM_002474.2).
Identifiers: ClinVar variation 534171 (VCV000534171.16), dbSNP rs376132003, ClinGen allele CA7921572.